The following is an entry in ClinVar:

ClinVar aggregate classification (germline): Likely benign (0 of 4 stars; one submission).

Conditions:
TTC8-related disorder. Also called: TTC8-related condition.

gnomAD v4.1: 1 of 1,614,074 alleles (0.000062%); highest among the groups gnomAD compares: Non-Finnish European, 0.000085%; no homozygotes.

Submission:

PreventionGenetics, part of Exact Sciences
Classification: Likely benign for TTC8-related condition. Last evaluated: 2024-05-23. Review status: no assertion criteria provided. Collection method: clinical testing. Allele origin: germline.
Comment: This variant is classified as likely benign based on ACMG/AMP sequence variant interpretation guidelines (Richards et al. 2015 PMID: 25741868, with internal and published modifications).

NM_144596.4(TTC8):c.1146A>T (p.Ser382=)

Gene: TTC8 (tetratricopeptide repeat domain 8; plus strand). Cytogenetic location: 14q31.3.
Variant type: single nucleotide variant.
Coding change: c.1146A>T on transcript NM_144596.4 (MANE Select); coding-DNA position 1146, A replaced by T.
Protein change: p.Ser382=; no amino-acid change (serine 382 retained).
Molecular consequence: synonymous variant. On other transcripts: non-coding transcript variant (1).
Genome position (GRCh38, 1-based): chr14:88,871,645, A>T. VCF-style: chr14-88871645-A-T. GRCh37 (hg19) VCF-style: chr14-89337989-A-T.
Other names: c.1194A>T, p.Ser398= (NM_001288781.1); c.552A>T, p.Ser184= (NM_001288782.1); c.429A>T, p.Ser143= (NM_001288783.1); c.1116A>T, p.Ser372= (NM_001366535.2, NM_198309.3); c.1026A>T, p.Ser342= (NM_001366536.2, NM_198310.3).
Identifiers: ClinVar variation 3347297 (VCV003347297.1).